The following is an entry in ClinVar:

ClinVar aggregate classification (germline): Likely benign. Review status: criteria provided, multiple submitters, no conflicts (2 of 4 stars). 2 submissions from 2 submitters: Likely benign (2). Last evaluated 2024-10-23.

Conditions:
Naxos disease (NXD). Also called: KERATOSIS PALMOPLANTARIS WITH ARRHYTHMOGENIC CARDIOMYOPATHY; MAL DE NAXOS; PALMOPLANTAR KERATODERMA WITH ARRHYTHMOGENIC RIGHT VENTRICULAR CARDIOMYOPATHY AND WOOLLY HAIR; WOOLLY HAIR, PALMOPLANTAR KERATODERMA, AND CARDIAC ABNORMALITIES; CARDIOMYOPATHY, ARRHYTHMOGENIC RIGHT VENTRICULAR, WITH SKIN, HAIR, AND NAIL ABNORMALITIES. Identifiers: Orphanet 34217, MedGen C1832600, MONDO:0011017, OMIM 601214.
Arrhythmogenic right ventricular dysplasia 12. Also called: ARRHYTHMOGENIC RIGHT VENTRICULAR DYSPLASIA, FAMILIAL, 12. Identifiers: MedGen C1969081, MONDO:0012684, OMIM 611528.

Allele frequency attached by ClinVar (database versions not stated): gnomAD exomes below 0.00001; TOPMed 0.00001; ExAC 0.00002; ESP Exome Variant Server 0.00008.

Submissions (2):

Labcorp Genetics (formerly Invitae), Labcorp
Classification: Likely benign for Arrhythmogenic right ventricular dysplasia 12; Naxos disease. Last evaluated: 2024-10-23. Review status: criteria provided, single submitter. Criteria: Invitae Variant Classification Sherloc (09022015). Collection method: clinical testing. Allele origin: germline.

Laboratory for Molecular Medicine, Mass General Brigham Personalized Medicine
Classification: Likely benign. Last evaluated: 2012-07-10. Review status: criteria provided, single submitter. Criteria: LMM Criteria. Collection method: clinical testing. Allele origin: germline. Observed: 1 variant allele.
Comment: 1497+14G>A in intron 08 of JUP: This variant is not expected to have clinical si gnificance because it is not located within the splice consensus sequence. It ha s been identified in 1/3738 African American chromosomes from a broad population by the NHLBI Exome Sequencing Project. 1497 +14G>A in intron 08 of JUP (allele frequency = 1/3738) **

NM_002230.4(JUP):c.1497+14G>A

Gene: JUP (junction plakoglobin; minus strand). Cytogenetic location: 17q21.2.
Variant type: single nucleotide variant.
Coding change: c.1497+14G>A on transcript NM_002230.4 (MANE Select); 14 bases into the intron after coding-DNA position 1497, G replaced by A.
Molecular consequence: intron variant.
Genome position (GRCh38, 1-based): chr17:41,762,969, C>T on the plus strand (G>A on the coding strand, the complement: JUP is on the minus strand). VCF-style: chr17-41762969-C-T. GRCh37 (hg19) VCF-style: chr17-39919221-C-T.
Other names: c.1497+14G>A (NM_001352774.2, NM_021991.4, NM_001352776.2 and 3 more transcripts).
Identifiers: ClinVar variation 45836 (VCV000045836.6), dbSNP rs371853838, ClinGen allele CA137144.
Genomic context (GRCh38, chr17:41,762,969, plus strand): 5'-AGCGGCTTTGCCTATACCAATACAGCACCTAAGCCTGCTGCAGGGAGCTCCTTCCCCTCG[C>T]CTAACAGCAGTACCTTGACCAGTGGCCACTGGTTGGGCTGGTTGAGCAGCTTCACGATGG-3'